The following is an entry in ClinVar:

NM_006147.4(IRF6):c.911T>C (p.Leu304Pro)

Gene: IRF6 (interferon regulatory factor 6; minus strand). Cytogenetic location: 1q32.2.
Variant type: single nucleotide variant.
Coding change: c.911T>C on transcript NM_006147.4 (MANE Select); coding-DNA position 911, T replaced by C.
Protein change: p.Leu304Pro; replaces leucine 304 with proline.
Molecular consequence: missense variant.
Genome position (GRCh38, 1-based): chr1:209,790,644, A>G on the plus strand (T>C on the coding strand, the complement: IRF6 is on the minus strand). VCF-style: chr1-209790644-A-G. GRCh37 (hg19) VCF-style: chr1-209963989-A-G.
Other names: c.626T>C, p.Leu209Pro (NM_001206696.2); short protein forms L304P, L209P.
Identifiers: ClinVar variation 418261 (VCV000418261.11), dbSNP rs1064793154, ClinGen allele CA16617047.
Genomic context (GRCh38, chr1:209,790,644, plus strand): 5'-GACCAGTACACCTTGCACTGGCACAGCCTGATGGCATAAATGGCATGACCGCTGACCTCC[A>G]GGATCAGTCCTCTGTCCATGACGTCCAGCAGCTTGCTAGTGAACAGCTTCTGCTTCTCAT-3'
Protein context (NP_006138.1, residues 294-314): LLDVMDRGLI[Leu304Pro]EVSGHAIYAI

ClinVar aggregate classification (germline): Conflicting classifications of pathogenicity. Review status: criteria provided, conflicting classifications (1 of 4 stars). 3 submissions from 3 submitters: Likely pathogenic (1); Uncertain significance (2). Last evaluated 2022-07-22.

Conditions:
Orofacial cleft 6, susceptibility to (OFC6). Also called: CLEFT LIP WITH OR WITHOUT CLEFT PALATE, NONSYNDROMIC, 6. Identifiers: MedGen C1837213, MONDO:0012141, OMIM 608864.
Popliteal pterygium syndrome (PPS). Identifiers: Orphanet 294963, MedGen C0265259, MONDO:0017435.
Van der Woude syndrome. Identifiers: Orphanet 888, MedGen C0175697, MONDO:0019508.

Submissions (3):

Labcorp Genetics (formerly Invitae), Labcorp
Classification: Likely pathogenic for Orofacial cleft 6, susceptibility to; Van der Woude syndrome; Popliteal pterygium syndrome. Last evaluated: 2022-07-22. Review status: criteria provided, single submitter. Criteria: Invitae Variant Classification Sherloc (09022015). Collection method: clinical testing. Allele origin: germline.
Comment: This variant is not present in population databases (gnomAD no frequency). This sequence change replaces leucine, which is neutral and non-polar, with proline, which is neutral and non-polar, at codon 304 of the IRF6 protein (p.Leu304Pro). This missense change has been observed in individual(s) with clinical features of Van der Woude syndrome or popliteal pterygium syndrome (PMID: 23154523; Invitae). It has also been observed to segregate with disease in related individuals. ClinVar contains an entry for this variant (Variation ID: 418261). Advanced modeling of protein sequence and biophysical properties (such as structural, functional, and spatial information, amino acid conservation, physicochemical variation, residue mobility, and thermodynamic stability) performed at Invitae indicates that this missense variant is expected to disrupt IRF6 protein function. In summary, the currently available evidence indicates that the variant is pathogenic, but additional data are needed to prove that conclusively. Therefore, this variant has been classified as Likely Pathogenic.

Eurofins Ntd Llc (ga)
Classification: Uncertain significance. Last evaluated: 2017-10-17. Review status: criteria provided, single submitter. Criteria: EGL Classification Definitions 2015. Collection method: clinical testing. Allele origin: germline. Observed: 1 variant allele, 1 heterozygote.

GeneDx
Classification: Uncertain significance. Last evaluated: 2015-12-30. Review status: criteria provided, single submitter. Criteria: GeneDx Variant Classification (06012015). Collection method: clinical testing. Allele origin: germline. Affected: yes.
Comment: A variant of uncertain significance has been identified in the IRF6 gene. The L304P variant has been published previously, referencing patients tested at GeneDx, in association with van der Woude syndrome (Leslie et al., 2013). L304P was not observed in approximately 6,500 individuals of European and African American ancestry in the NHLBI Exome Sequencing Project, indicating it is not a common benign variant in these populations. The variant is a semi-conservative amino acid substitution, which may impact secondary protein structure as these residues differ in some properties. This substitution occurs at a position that is conserved across species, and in silico analysis predicts this variant is probably damaging to the protein structure/function. A missense variant in a nearby residue (L302P) has been reported in the Human Gene Mutation Database in association with IRF6-related disorders (Stenson et al., 2014), supporting the functional importance of this region of the protein. Therefore, based on the currently available information, it is unclear whether this variant is a pathogenic variant or a rare benign variant.

Literature cited by the submitters: PubMed 23154523 (cited by Labcorp Genetics (formerly Invitae), Labcorp and Eurofins Ntd Llc (ga)).